The following is an entry in ClinVar:

ClinVar aggregate classification (germline): Uncertain significance. Review status: criteria provided, multiple submitters, no conflicts (2 of 4 stars). 2 submissions from 2 submitters: Uncertain significance (2). Last evaluated 2024-03-04.

Conditions:
Inborn genetic diseases. Identifiers: MedGen C0950123, MeSH D030342.
Fanconi anemia (FA). Also called: Fanconi's anemia. Identifiers: Orphanet 84, MedGen C0015625, MeSH D005199, MONDO:0019391.

Allele frequency attached by ClinVar (database versions not stated): gnomAD exomes below 0.00001.
gnomAD v4.1: 1 of 1,602,532 alleles (0.000062%); highest among the groups gnomAD compares: Non-Finnish European, 0.000085%; no homozygotes.

Submissions (2):

Ambry Genetics
Classification: Uncertain significance for Inborn genetic diseases. Last evaluated: 2024-03-04. Review status: criteria provided, single submitter. Criteria: Ambry Variant Classification Scheme 2023. Collection method: clinical testing. Allele origin: germline.

Labcorp Genetics (formerly Invitae), Labcorp
Classification: Uncertain significance for Fanconi anemia. Last evaluated: 2022-01-10. Review status: criteria provided, single submitter. Criteria: Invitae Variant Classification Sherloc (09022015). Collection method: clinical testing. Allele origin: germline.
Comment: This sequence change replaces histidine, which is basic and polar, with tyrosine, which is neutral and polar, at codon 1407 of the SLX4 protein (p.His1407Tyr). This variant is not present in population databases (gnomAD no frequency). This variant has not been reported in the literature in individuals affected with SLX4-related conditions. Algorithms developed to predict the effect of missense changes on protein structure and function output the following: SIFT: "Tolerated"; PolyPhen-2: "Benign"; Align-GVGD: "Class C0". The tyrosine amino acid residue is found in multiple mammalian species, which suggests that this missense change does not adversely affect protein function. In summary, the available evidence is currently insufficient to determine the role of this variant in disease. Therefore, it has been classified as a Variant of Uncertain Significance.

NM_032444.4(SLX4):c.4219C>T (p.His1407Tyr)

Gene: SLX4 (SLX4 structure-specific endonuclease subunit; minus strand). Cytogenetic location: 16p13.3.
Variant type: single nucleotide variant.
Coding change: c.4219C>T on transcript NM_032444.4 (MANE Select); coding-DNA position 4219, C replaced by T.
Protein change: p.His1407Tyr; replaces histidine 1407 with tyrosine.
Molecular consequence: missense variant.
Genome position (GRCh38, 1-based): chr16:3,589,419, G>A on the plus strand (C>T on the coding strand, the complement: SLX4 is on the minus strand). VCF-style: chr16-3589419-G-A. GRCh37 (hg19) VCF-style: chr16-3639420-G-A.
Other names: short protein forms H1407Y.
Identifiers: ClinVar variation 1931896 (VCV001931896.3), dbSNP rs2548211362, ClinGen allele CA394518069.